The following is an entry in ClinVar:

NM_030962.4(SBF2):c.3618T>G (p.Val1206=)

Gene: SBF2 (SET binding factor 2; minus strand). Cytogenetic location: 11p15.4.
Variant type: single nucleotide variant.
Coding change: c.3618T>G on transcript NM_030962.4 (MANE Select); coding-DNA position 3618, T replaced by G.
Protein change: p.Val1206=; no amino-acid change (valine 1206 retained).
Molecular consequence: synonymous variant.
Genome position (GRCh38, 1-based): chr11:9,832,258, A>C on the plus strand (T>G on the coding strand, the complement: SBF2 is on the minus strand). VCF-style: chr11-9832258-A-C. GRCh37 (hg19) VCF-style: chr11-9853805-A-C.
Other names: c.3618T>G, p.Val1206= (NM_001386339.1); c.3489T>G, p.Val1163= (NM_001386342.1); c.3654T>G, p.Val1218= (NM_001424318.1, NM_001425069.1, NM_001425070.1).
Identifiers: ClinVar variation 3056798 (VCV003056798.3), dbSNP rs1855446145, ClinGen allele CA473070522.

ClinVar aggregate classification (germline): Likely benign. Review status: criteria provided, single submitter (1 of 4 stars). 2 submissions from 2 submitters: Likely benign (1). 1 of the submissions does not count toward it. Last evaluated 2022-11-11.

Conditions:
SBF2-related disorder. Also called: SBF2-related condition.

Submissions (2):

Blueprint Genetics
Classification: Likely benign. Last evaluated: 2022-11-11. Review status: criteria provided, single submitter. Criteria: ACMG Guidelines, 2015. Collection method: clinical testing. Allele origin: germline.

PreventionGenetics, part of Exact Sciences
Classification: Likely benign for SBF2-related condition. Last evaluated: 2019-05-06. Review status: no assertion criteria provided. Collection method: clinical testing. Allele origin: germline. Not counted in ClinVar's aggregate classification.
Comment: This variant is classified as likely benign based on ACMG/AMP sequence variant interpretation guidelines (Richards et al. 2015 PMID: 25741868, with internal and published modifications).